The following is an entry in ClinVar:

NM_003647.3(DGKE):c.1360G>A (p.Gly454Ser)

Gene: DGKE (diacylglycerol kinase epsilon; plus strand). Cytogenetic location: 17q22.
Variant type: single nucleotide variant.
Coding change: c.1360G>A on transcript NM_003647.3 (MANE Select); coding-DNA position 1360, G replaced by A.
Protein change: p.Gly454Ser; replaces glycine 454 with serine.
Molecular consequence: missense variant.
Genome position (GRCh38, 1-based): chr17:56,861,866, G>A. VCF-style: chr17-56861866-G-A. GRCh37 (hg19) VCF-style: chr17-54939227-G-A.
Other names: short protein forms G454S.
Identifiers: ClinVar variation 3021731 (VCV003021731.3), dbSNP rs1480696814, ClinGen allele CA399909168.

ClinVar aggregate classification (germline): Uncertain significance (1 of 4 stars; one submission).

gnomAD v4.1: 21 of 1,613,768 alleles (0.0013%); highest among the groups gnomAD compares: East Asian, 0.0067%; no homozygotes.

Submission:

Labcorp Genetics (formerly Invitae), Labcorp
Classification: Uncertain significance. Last evaluated: 2024-08-08. Review status: criteria provided, single submitter. Criteria: Invitae Variant Classification Sherloc (09022015). Collection method: clinical testing. Allele origin: germline.
Comment: This sequence change replaces glycine, which is neutral and non-polar, with serine, which is neutral and polar, at codon 454 of the DGKE protein (p.Gly454Ser). This variant is not present in population databases (gnomAD no frequency). This variant has not been reported in the literature in individuals affected with DGKE-related conditions. Advanced modeling of protein sequence and biophysical properties (such as structural, functional, and spatial information, amino acid conservation, physicochemical variation, residue mobility, and thermodynamic stability) performed at Invitae indicates that this missense variant is not expected to disrupt DGKE protein function with a negative predictive value of 80%. In summary, the available evidence is currently insufficient to determine the role of this variant in disease. Therefore, it has been classified as a Variant of Uncertain Significance.